The following is an entry in ClinVar:

ClinVar aggregate classification (germline): Pathogenic. Review status: criteria provided, single submitter (1 of 4 stars). 2 submissions from 2 submitters: Pathogenic (1). 1 of the submissions does not count toward it. Last evaluated 2022-03-08.

Conditions:
Fanconi anemia (FA). Also called: Fanconi's anemia. Identifiers: Orphanet 84, MedGen C0015625, MeSH D005199, MONDO:0019391.
Fanconi anemia complementation group A (FANCA). Also called: Fanconi anemia, group A; FANCA-Related Fanconi Anemia. Identifiers: Orphanet 84, MedGen C3469521, MONDO:0009215, OMIM 227650.

Allele frequency attached by ClinVar (database versions not stated): gnomAD exomes below 0.00001; ExAC 0.00001.
gnomAD v4.1: 1 of 1,614,088 alleles (0.000062%); highest among the groups gnomAD compares: South Asian, 0.0011%; no homozygotes.

Submissions (2):

Labcorp Genetics (formerly Invitae), Labcorp
Classification: Pathogenic for Fanconi anemia. Last evaluated: 2022-03-08. Review status: criteria provided, single submitter. Criteria: Invitae Variant Classification Sherloc (09022015). Collection method: clinical testing. Allele origin: germline.
Comment: This variant is present in population databases (rs747823528, gnomAD 0.003%). This sequence change affects an acceptor splice site in intron 27 of the FANCA gene. It is expected to disrupt RNA splicing. Variants that disrupt the donor or acceptor splice site typically lead to a loss of protein function (PMID: 16199547), and loss-of-function variants in FANCA are known to be pathogenic (PMID: 19367192). For these reasons, this variant has been classified as Pathogenic. Algorithms developed to predict the effect of sequence changes on RNA splicing suggest that this variant may disrupt the consensus splice site. ClinVar contains an entry for this variant (Variation ID: 974241). This variant is also known as IVS27-1G>A. Disruption of this splice site has been observed in individuals with Fanconi anemia (PMID: 10090479, 28102861).

Leiden Open Variation Database
Classification: Pathogenic for Fanconi anemia complementation group A. Last evaluated: 2020-02-28. Review status: no assertion criteria provided. Collection method: curation. Allele origin: germline. Affected: yes. Not counted in ClinVar's aggregate classification.
Comment: Curator: Arleen D. Auerbach. Submitter to LOVD: Arleen D. Auerbach.

Literature cited by the submitters: PubMed 16199547 (cited by Labcorp Genetics (formerly Invitae), Labcorp); PubMed 19367192 (cited by Labcorp Genetics (formerly Invitae), Labcorp); PubMed 10090479 (cited by Labcorp Genetics (formerly Invitae), Labcorp and Leiden Open Variation Database); PubMed 28102861 (cited by Labcorp Genetics (formerly Invitae), Labcorp); PubMed 12444097 (cited by Leiden Open Variation Database); PubMed 15523645 (cited by Leiden Open Variation Database).

NM_000135.4(FANCA):c.2602-1G>A

Genes: FANCA (FA complementation group A; minus strand), LOC130059837 (ATAC-STARR-seq lymphoblastoid active region 11420; plus strand). Cytogenetic location: 16q24.3.
Variant type: single nucleotide variant.
Coding change: c.2602-1G>A on transcript NM_000135.4 (MANE Select); the canonical splice acceptor site of the intron before coding-DNA position 2602, G replaced by A.
Molecular consequence: splice acceptor variant.
Genome position (GRCh38, 1-based): chr16:89,765,067, C>T on the plus strand (G>A on the coding strand, the complement: FANCA is on the minus strand). VCF-style: chr16-89765067-C-T. GRCh37 (hg19) VCF-style: chr16-89831475-C-T.
Other names: c.2602-1G>A (NM_001286167.3).
Identifiers: ClinVar variation 974241 (VCV000974241.10), dbSNP rs747823528, ClinGen allele CA8251622.